The following is an entry in ClinVar:

ClinVar aggregate classification (germline): Uncertain significance (1 of 4 stars; one submission).

Allele frequency attached by ClinVar (database versions not stated): ExAC below 0.00001.

Submission:

GeneDx
Classification: Uncertain significance. Last evaluated: 2017-10-06. Review status: criteria provided, single submitter. Criteria: GeneDx Variant Classification (06012015). Collection method: clinical testing. Allele origin: germline. Affected: yes.
Comment: The A868P variant in the KCNQ2 gene has not been reported previously as a pathogenic variant, nor as a benign variant, to our knowledge. The A868P variant is not observed in large population cohorts (Lek et al., 2016). The A868P variant is a semi-conservative amino acid substitution, which may impact secondary protein structure as these residues differ in some properties. This substitution occurs at a position that is not conserved and is predicted to be within the C-terminal cytoplasmic domain. In silico analysis is inconsistent in its predictions as to whether or not the variant is damaging to the protein structure/function. We interpret A868P as a variant of uncertain significance.

NM_172107.4(KCNQ2):c.2602G>C (p.Ala868Pro)

Gene: KCNQ2 (potassium voltage-gated channel subfamily Q member 2; minus strand). Cytogenetic location: 20q13.33.
Variant type: single nucleotide variant.
Coding change: c.2602G>C on transcript NM_172107.4 (MANE Select); coding-DNA position 2602, G replaced by C.
Protein change: p.Ala868Pro; replaces alanine 868 with proline.
Molecular consequence: missense variant.
Genome position (GRCh38, 1-based): chr20:63,406,661, C>G on the plus strand (G>C on the coding strand, the complement: KCNQ2 is on the minus strand). VCF-style: chr20-63406661-C-G. GRCh37 (hg19) VCF-style: chr20-62038014-C-G.
Other names: c.2518G>C, p.Ala840Pro (NM_004518.6); c.2548G>C, p.Ala850Pro (NM_172106.3); c.2509G>C, p.Ala837Pro (NM_172108.5); short protein forms A868P, A837P, A840P, A850P.
Identifiers: ClinVar variation 452658 (VCV000452658.2), dbSNP rs774595024, ClinGen allele CA9958052.
Genomic context (GRCh38, chr20:63,406,661, plus strand): 5'-TGCTGAGGAGGGCCGCGGGCGGGTCCACTGGCCCAGCGCCGCCTCACTTCCTGGGCCCGG[C>G]CCAGCCCACGTCACCAAAGGGACCCTCGCCGGTGGCCGAGCGTGGCGGGGGCCCGCACGG-3'
Protein context (NP_742105.1, residues 858-872): GEGPFGDVGW[Ala868Pro]GPRK